The following is an entry in ClinVar:

ClinVar aggregate classification (germline): Likely benign (1 of 4 stars; one submission).

Conditions:
MYH9-related disorder. Identifiers: MedGen C1854520.

gnomAD v4.1: 3 of 1,610,202 alleles (0.00019%); highest among the groups gnomAD compares: Non-Finnish European, 0.00025%; no homozygotes.

Submission:

PreventionGenetics, part of Exact Sciences
Classification: Likely benign for MYH9-related condition. Last evaluated: 2026-06-23. Review status: criteria provided, single submitter. Criteria: ACMG Guidelines, 2015. Collection method: clinical testing. Allele origin: germline.
Comment: This variant is classified as likely benign based on ACMG/AMP sequence variant interpretation guidelines (Richards et al. 2015 PMID: 25741868, with internal and published modifications).

NM_002473.6(MYH9):c.294G>A (p.Leu98=)

Gene: MYH9 (myosin heavy chain 9; minus strand). Cytogenetic location: 22q12.3.
Variant type: single nucleotide variant.
Coding change: c.294G>A on transcript NM_002473.6 (MANE Select); coding-DNA position 294, G replaced by A.
Protein change: p.Leu98=; no amino-acid change (leucine 98 retained).
Molecular consequence: synonymous variant.
Genome position (GRCh38, 1-based): chr22:36,348,943, C>T on the plus strand (G>A on the coding strand, the complement: MYH9 is on the minus strand). VCF-style: chr22-36348943-C-T. GRCh37 (hg19) VCF-style: chr22-36744988-C-T.
Identifiers: ClinVar variation 4994601 (VCV004994601.1).